The following is an entry in ClinVar:

NM_006236.3(POU3F3):c.893G>C (p.Gly298Ala)

Gene: POU3F3 (POU class 3 homeobox 3; plus strand). Cytogenetic location: 2q12.1.
Variant type: single nucleotide variant.
Coding change: c.893G>C on transcript NM_006236.3 (MANE Select); coding-DNA position 893, G replaced by C.
Protein change: p.Gly298Ala; replaces glycine 298 with alanine.
Molecular consequence: missense variant.
Genome position (GRCh38, 1-based): chr2:104,856,403, G>C. VCF-style: chr2-104856403-G-C. GRCh37 (hg19) VCF-style: chr2-105472861-G-C.
Other names: c.893G>C, p.Gly298Ala (NM_001433704.1); short protein forms G298A.
Identifiers: ClinVar variation 4885347 (VCV004885347.2).

ClinVar aggregate classification (germline): Uncertain significance (1 of 4 stars; one submission).

Submission:

Dasa
Classification: Uncertain significance. Last evaluated: 2024-10-31. Review status: criteria provided, single submitter. Criteria: DASA Assertion Criteria. Collection method: clinical testing. Allele origin: germline.
Comment: NM_006236.3(POU3F3):c.893G>C (p.Gly298Ala) is a missense variant that results in the substitution of glycine with alanine. This variant is absent from population databases. Computational prediction algorithms are consistent with a benign effect. The currently available literature and clinical evidence are not sufficient to establish a definitive association between this variant and the reported condition. Therefore, this variant is classified as a variant of uncertain significance.